The following is an entry in ClinVar:

ClinVar aggregate classification (germline): not provided (0 of 4 stars; one submission).

Allele frequency attached by ClinVar (database versions not stated): gnomAD exomes 0.00001; gnomAD 0.00001; ExAC 0.00001; TOPMed 0.00002.
gnomAD v4.1: 7 of 1,613,870 alleles (0.00043%); highest among the groups gnomAD compares: Admixed American, 0.0083%; no homozygotes.

Submission:

ITMI
No classification provided. Condition: AllHighlyPenetrant. Last evaluated: 2013-09-19. Review status: no classification provided. Collection method: reference population. Allele origin: germline.
Comment: Please see associated publication for description of ethnicities

Literature cited by the submitters: PubMed 24728327.

NM_005896.4(IDH1):c.622T>C (p.Tyr208His)

Gene: IDH1 (isocitrate dehydrogenase (NADP(+)) 1; minus strand). Cytogenetic location: 2q34.
Variant type: single nucleotide variant.
Coding change: c.622T>C on transcript NM_005896.4 (MANE Select); coding-DNA position 622, T replaced by C.
Protein change: p.Tyr208His; replaces tyrosine 208 with histidine.
Molecular consequence: missense variant.
Genome position (GRCh38, 1-based): chr2:208,243,503, A>G on the plus strand (T>C on the coding strand, the complement: IDH1 is on the minus strand). VCF-style: chr2-208243503-A-G. GRCh37 (hg19) VCF-style: chr2-209108227-A-G.
Other names: c.622T>C, p.Tyr208His (NM_001282386.1, NM_001282387.1); short protein forms Y208H.
Identifiers: ClinVar variation 134522 (VCV000134522.1), dbSNP rs587778402, ClinGen allele CA160077.